The following is an entry in ClinVar:

NM_001329943.3(KIAA0586):c.807+1G>T

Gene: KIAA0586 (KIAA0586; plus strand). Cytogenetic location: 14q23.1.
Variant type: single nucleotide variant.
Coding change: c.807+1G>T on transcript NM_001329943.3 (MANE Select); the canonical splice donor site of the intron after coding-DNA position 807, G replaced by T.
Molecular consequence: splice donor variant.
Genome position (GRCh38, 1-based): chr14:58,444,176, G>T. VCF-style: chr14-58444176-G-T. GRCh37 (hg19) VCF-style: chr14-58910894-G-T.
Other names: c.966+1G>T (NM_001244189.2); c.762+1G>T (NM_001244190.2); c.675+1G>T (NM_001244192.2); c.552+1G>T (NM_001244191.2, NM_001364701.2, NM_001329945.2 and 1 more transcripts); c.807+1G>T (NM_001329944.2, NM_001329946.2, NM_001329947.2 and 1 more transcripts); c.387+1G>T (NM_001244193.2).
Identifiers: ClinVar variation 2415477 (VCV002415477.7), dbSNP rs1159793989, ClinGen allele CA389863120.

ClinVar aggregate classification (germline): Likely pathogenic (1 of 4 stars; one submission).

Conditions:
Joubert syndrome 23 (JBTS23). Identifiers: Orphanet 475, MedGen C4084822, MONDO:0014664, OMIM 616490.
Short-rib thoracic dysplasia 14 with polydactyly (SRTD14). Identifiers: Orphanet 397715, MedGen C4225286, MONDO:0014688, OMIM 616546.

Submission:

Labcorp Genetics (formerly Invitae), Labcorp
Classification: Likely pathogenic for Joubert syndrome 23; Short-rib thoracic dysplasia 14 with polydactyly. Last evaluated: 2024-02-24. Review status: criteria provided, single submitter. Criteria: Invitae Variant Classification Sherloc (09022015). Collection method: clinical testing. Allele origin: germline.
Comment: This sequence change affects a donor splice site in intron 8 of the KIAA0586 gene. It is expected to disrupt RNA splicing. Variants that disrupt the donor or acceptor splice site typically lead to a loss of protein function (PMID: 16199547), and loss-of-function variants in KIAA0586 are known to be pathogenic (PMID: 26096313, 26166481, 26386044). This variant is not present in population databases (gnomAD no frequency). This variant has not been reported in the literature in individuals affected with KIAA0586-related conditions. ClinVar contains an entry for this variant (Variation ID: 2415477). Algorithms developed to predict the effect of sequence changes on RNA splicing suggest that this variant may disrupt the consensus splice site. In summary, the currently available evidence indicates that the variant is pathogenic, but additional data are needed to prove that conclusively. Therefore, this variant has been classified as Likely Pathogenic.

Literature cited by the submitters: PubMed 16199547; PubMed 26096313; PubMed 26166481; PubMed 26386044.